The following is an entry in ClinVar:

ClinVar aggregate classification (germline): Uncertain significance (1 of 4 stars; one submission).

gnomAD v4.1: 6 of 1,613,828 alleles (0.00037%); highest among the groups gnomAD compares: Non-Finnish European, 0.00051%; no homozygotes.

Submission:

Labcorp Genetics (formerly Invitae), Labcorp
Classification: Uncertain significance. Last evaluated: 2021-11-23. Review status: criteria provided, single submitter. Criteria: Invitae Variant Classification Sherloc (09022015). Collection method: clinical testing. Allele origin: germline.
Comment: This sequence change replaces alanine, which is neutral and non-polar, with serine, which is neutral and polar, at codon 1408 of the TUBGCP6 protein (p.Ala1408Ser). This variant is not present in population databases (gnomAD no frequency). This variant has not been reported in the literature in individuals affected with TUBGCP6-related conditions. Algorithms developed to predict the effect of missense changes on protein structure and function (SIFT, PolyPhen-2, Align-GVGD) all suggest that this variant is likely to be tolerated. In summary, the available evidence is currently insufficient to determine the role of this variant in disease. Therefore, it has been classified as a Variant of Uncertain Significance.

NM_020461.4(TUBGCP6):c.4222G>T (p.Ala1408Ser)

Gene: TUBGCP6 (tubulin gamma complex component 6; minus strand). Cytogenetic location: 22q13.33.
Variant type: single nucleotide variant.
Coding change: c.4222G>T on transcript NM_020461.4 (MANE Select); coding-DNA position 4222, G replaced by T.
Protein change: p.Ala1408Ser; replaces alanine 1408 with serine.
Molecular consequence: missense variant.
Genome position (GRCh38, 1-based): chr22:50,219,737, C>A on the plus strand (G>T on the coding strand, the complement: TUBGCP6 is on the minus strand). VCF-style: chr22-50219737-C-A. GRCh37 (hg19) VCF-style: chr22-50658166-C-A.
Other names: short protein forms A1408S.
Identifiers: ClinVar variation 1394620 (VCV001394620.3), dbSNP rs2147175298, ClinGen allele CA412175496.